The following is an entry in ClinVar:

ClinVar aggregate classification (germline): Uncertain significance (1 of 4 stars; one submission).

Conditions:
Bethlem myopathy 1A. Also called: MYOPATHY, BENIGN CONGENITAL, WITH CONTRACTURES; Bethlem Muscular Dystrophy; Bethlem myopathy 1. Identifiers: Orphanet 610, MedGen CN029274, MONDO:0024530, OMIM 158810.

gnomAD v4.1: 2 of 1,600,850 alleles (0.00012%); highest among the groups gnomAD compares: East Asian, 0.0045%; no homozygotes.

Submission:

Labcorp Genetics (formerly Invitae), Labcorp
Classification: Uncertain significance for Bethlem myopathy 1A. Last evaluated: 2024-11-09. Review status: criteria provided, single submitter. Criteria: Invitae Variant Classification Sherloc (09022015). Collection method: clinical testing. Allele origin: germline.
Comment: This sequence change replaces aspartic acid, which is acidic and polar, with histidine, which is basic and polar, at codon 843 of the COL6A3 protein (p.Asp843His). This variant is present in population databases (rs181006249, gnomAD 0.006%). This variant has not been reported in the literature in individuals affected with COL6A3-related conditions. Invitae Evidence Modeling of protein sequence and biophysical properties (such as structural, functional, and spatial information, amino acid conservation, physicochemical variation, residue mobility, and thermodynamic stability) indicates that this missense variant is expected to disrupt COL6A3 protein function with a positive predictive value of 80%. In summary, the available evidence is currently insufficient to determine the role of this variant in disease. Therefore, it has been classified as a Variant of Uncertain Significance.

NM_004369.4(COL6A3):c.2527G>C (p.Asp843His)

Gene: COL6A3 (collagen type VI alpha 3 chain; minus strand). Cytogenetic location: 2q37.3.
Variant type: single nucleotide variant.
Coding change: c.2527G>C on transcript NM_004369.4 (MANE Select); coding-DNA position 2527, G replaced by C.
Protein change: p.Asp843His; replaces aspartic acid 843 with histidine.
Molecular consequence: missense variant.
Genome position (GRCh38, 1-based): chr2:237,377,315, C>G on the plus strand (G>C on the coding strand, the complement: COL6A3 is on the minus strand). VCF-style: chr2-237377315-C-G. GRCh37 (hg19) VCF-style: chr2-238285958-C-G.
Other names: c.1306G>C, p.Asp436His (NM_057164.5); c.1909G>C, p.Asp637His (NM_057165.5, NM_057167.4); c.706G>C, p.Asp236His (NM_057166.5); short protein forms D236H, D436H, D843H, D637H.
Identifiers: ClinVar variation 3725664 (VCV003725664.2).